The following is an entry in ClinVar:

ClinVar aggregate classification (germline): Uncertain significance (1 of 4 stars; one submission).

Conditions:
Progressive familial heart block type IB (PFHB1B). Identifiers: Orphanet 871, MedGen C1970298, MONDO:0011474, OMIM 604559.

Submission:

Labcorp Genetics (formerly Invitae), Labcorp
Classification: Uncertain significance for Progressive familial heart block type IB. Last evaluated: 2021-08-26. Review status: criteria provided, single submitter. Criteria: Invitae Variant Classification Sherloc (09022015). Collection method: clinical testing. Allele origin: germline.
Comment: In summary, the available evidence is currently insufficient to determine the role of this variant in disease. Therefore, it has been classified as a Variant of Uncertain Significance. Algorithms developed to predict the effect of missense changes on protein structure and function output the following: SIFT: "Tolerated"; PolyPhen-2: "Benign"; Align-GVGD: "Class C0". The phenylalanine amino acid residue is found in multiple mammalian species, which suggests that this missense change does not adversely affect protein function. This variant has not been reported in the literature in individuals affected with TRPM4-related conditions. This variant is not present in population databases (ExAC no frequency). This sequence change replaces valine with phenylalanine at codon 736 of the TRPM4 protein (p.Val736Phe). The valine residue is weakly conserved and there is a small physicochemical difference between valine and phenylalanine.

NM_017636.4(TRPM4):c.2206G>T (p.Val736Phe)

Gene: TRPM4 (transient receptor potential cation channel subfamily M member 4; plus strand). Cytogenetic location: 19q13.33.
Variant type: single nucleotide variant.
Coding change: c.2206G>T on transcript NM_017636.4 (MANE Select); coding-DNA position 2206, G replaced by T.
Protein change: p.Val736Phe; replaces valine 736 with phenylalanine.
Molecular consequence: missense variant.
Genome position (GRCh38, 1-based): chr19:49,190,769, G>T. VCF-style: chr19-49190769-G-T. GRCh37 (hg19) VCF-style: chr19-49694026-G-T.
Other names: c.2206G>T, p.Val736Phe (NM_001195227.2); c.1861G>T, p.Val621Phe (NM_001321281.2); c.598G>T, p.Val200Phe (NM_001321282.2); c.1684G>T, p.Val562Phe (NM_001321283.2); c.1144G>T, p.Val382Phe (NM_001321285.2); short protein forms V562F, V621F, V382F, V736F, V200F.
Identifiers: ClinVar variation 1402356 (VCV001402356.6), dbSNP rs2122998477, ClinGen allele CA406806433.